The following is an entry in ClinVar:

NM_006516.4(SLC2A1):c.325C>G (p.Leu109Val)

Gene: SLC2A1 (solute carrier family 2 member 1; minus strand). Cytogenetic location: 1p34.2.
Variant type: single nucleotide variant.
Coding change: c.325C>G on transcript NM_006516.4 (MANE Select); coding-DNA position 325, C replaced by G.
Protein change: p.Leu109Val; replaces leucine 109 with valine.
Molecular consequence: missense variant.
Genome position (GRCh38, 1-based): chr1:42,930,817, G>C on the plus strand (C>G on the coding strand, the complement: SLC2A1 is on the minus strand). VCF-style: chr1-42930817-G-C. GRCh37 (hg19) VCF-style: chr1-43396488-G-C.
Other names: short protein forms L109V.
Identifiers: ClinVar variation 1481472 (VCV001481472.6), dbSNP rs1436569888, ClinGen allele CA339961233.

ClinVar aggregate classification (germline): Uncertain significance (1 of 4 stars; one submission).

Conditions:
GLUT1 deficiency syndrome 1, autosomal recessive. Identifiers: MedGen C3149117.

Submission:

Labcorp Genetics (formerly Invitae), Labcorp
Classification: Uncertain significance for GLUT1 deficiency syndrome 1, autosomal recessive. Last evaluated: 2022-10-17. Review status: criteria provided, single submitter. Criteria: Invitae Variant Classification Sherloc (09022015). Collection method: clinical testing. Allele origin: germline.
Comment: In summary, the available evidence is currently insufficient to determine the role of this variant in disease. Therefore, it has been classified as a Variant of Uncertain Significance. Advanced modeling of protein sequence and biophysical properties (such as structural, functional, and spatial information, amino acid conservation, physicochemical variation, residue mobility, and thermodynamic stability) has been performed at Invitae for this missense variant, however the output from this modeling did not meet the statistical confidence thresholds required to predict the impact of this variant on SLC2A1 protein function. ClinVar contains an entry for this variant (Variation ID: 1481472). This variant has not been reported in the literature in individuals affected with SLC2A1-related conditions. This variant is not present in population databases (gnomAD no frequency). This sequence change replaces leucine, which is neutral and non-polar, with valine, which is neutral and non-polar, at codon 109 of the SLC2A1 protein (p.Leu109Val).